The following is an entry in ClinVar:

ClinVar aggregate classification (germline): Conflicting classifications of pathogenicity. Review status: criteria provided, conflicting classifications (1 of 4 stars). 7 submissions from 6 submitters: Uncertain significance (2); Benign (2); Likely benign (3). Last evaluated 2025-12-24.

Conditions:
Emery-Dreifuss muscular dystrophy 4, autosomal dominant (EDMD4). Also called: EMERY-DREIFUSS MUSCULAR DYSTROPHY 4 WITH VARIABLE FEATURES. Identifiers: Orphanet 261, MedGen C2751807, MONDO:0013071, OMIM 612998.
Autosomal recessive ataxia, Beauce type. Also called: SYNE1 Deficiency; SYNE1-Related Autosomal Recessive Cerebellar Ataxia; ATAXIA, RECESSIVE, OF BEAUCE; Spinocerebellar ataxia, autosomal recessive 8. Identifiers: Orphanet 88644, MedGen C1853116, MONDO:0012549, OMIM 610743.

Allele frequency attached by ClinVar (database versions not stated): TOPMed 0.00014; gnomAD 0.00015 and 0.00014; ESP Exome Variant Server 0.00023; gnomAD exomes 0.00012.
gnomAD v4.1: 203 of 1,613,792 alleles (0.013%); highest among the groups gnomAD compares: Non-Finnish European, 0.0019%; no homozygotes.

Submissions (7):

Labcorp Genetics (formerly Invitae), Labcorp
Classification: Likely benign for Emery-Dreifuss muscular dystrophy 4, autosomal dominant; Autosomal recessive ataxia, Beauce type. Last evaluated: 2025-12-24. Review status: criteria provided, single submitter. Criteria: Invitae Variant Classification Sherloc (09022015). Collection method: clinical testing. Allele origin: germline.

Athena Diagnostics
Classification: Benign. Last evaluated: 2024-01-10. Review status: criteria provided, single submitter. Criteria: Athena Diagnostics Criteria. Collection method: clinical testing. Allele origin: unknown.

CeGaT Center for Human Genetics Tuebingen
Classification: Likely benign. Last evaluated: 2022-11-01. Review status: criteria provided, single submitter. Criteria: CeGaT Center For Human Genetics Tuebingen Variant Classification Criteria Version 2. Collection method: clinical testing. Allele origin: germline. Affected: yes. Observed: 3 variant alleles.
Comment: SYNE1: BP4

GeneDx
Classification: Likely benign. Last evaluated: 2020-12-07. Review status: criteria provided, single submitter. Criteria: GeneDx Variant Classification Process June 2021. Collection method: clinical testing. Allele origin: germline. Affected: yes.

Illumina Laboratory Services, Illumina
Classification: Uncertain significance for Autosomal recessive ataxia, Beauce type. Last evaluated: 2018-01-13. Review status: criteria provided, single submitter. Criteria: ICSL Variant Classification Criteria 13 December 2019. Collection method: clinical testing. Allele origin: germline.

Illumina Laboratory Services, Illumina
Classification: Benign for Emery-Dreifuss muscular dystrophy 4, autosomal dominant. Last evaluated: 2018-01-13. Review status: criteria provided, single submitter. Criteria: ICSL Variant Classification Criteria 13 December 2019. Collection method: clinical testing. Allele origin: germline.
Comment: This variant was observed in the ICSL laboratory as part of a predisposition screen in an ostensibly healthy population. It had not been previously curated by ICSL or reported in the Human Gene Mutation Database (HGMD: prior to June 1st, 2018), and was therefore a candidate for classification through an automated scoring system. Utilizing variant allele frequency, disease prevalence and penetrance estimates, and inheritance mode, an automated score was calculated to assess if this variant is too frequent to cause the disease. Based on the score and internal cut-off values, a variant classified as benign is not then subjected to further curation. The score for this variant resulted in a classification of benign for this disease.

Eurofins Ntd Llc (ga)
Classification: Uncertain significance. Last evaluated: 2016-06-09. Review status: criteria provided, single submitter. Criteria: EGL Classification Definitions 2015. Collection method: clinical testing. Allele origin: germline. Observed: 2 variant alleles, 2 heterozygotes.

NM_182961.4(SYNE1):c.25120-6A>G

Gene: SYNE1 (spectrin repeat containing nuclear envelope protein 1; minus strand). Cytogenetic location: 6q25.2.
Variant type: single nucleotide variant.
Coding change: c.25120-6A>G on transcript NM_182961.4 (MANE Select); 6 bases into the intron before coding-DNA position 25120, A replaced by G.
Molecular consequence: intron variant.
Genome position (GRCh38, 1-based): chr6:152,141,335, T>C on the plus strand (A>G on the coding strand, the complement: SYNE1 is on the minus strand). VCF-style: chr6-152141335-T-C. GRCh37 (hg19) VCF-style: chr6-152462470-T-C.
Other names: c.24976-6A>G (NM_033071.5); c.1726-6A>G (NM_001347701.2); c.1654-6A>G (NM_001347702.2).
Identifiers: ClinVar variation 288635 (VCV000288635.47), dbSNP rs201898019, ClinGen allele CA4052923.